The following is an entry in ClinVar:

ClinVar aggregate classification (germline): Uncertain significance (1 of 4 stars; one submission).

Conditions:
Inborn genetic diseases. Identifiers: MedGen C0950123, MeSH D030342.

Allele frequency attached by ClinVar (database versions not stated): gnomAD 0.00001.
gnomAD v4.1: 3 of 1,613,932 alleles (0.00019%); highest among the groups gnomAD compares: Non-Finnish European, 0.00025%; no homozygotes.

Submission:

Ambry Genetics
Classification: Uncertain significance for Inborn genetic diseases. Last evaluated: 2022-05-24. Review status: criteria provided, single submitter. Criteria: Ambry Variant Classification Scheme 2023. Collection method: clinical testing. Allele origin: germline.
Comment: The p.S940Y variant (also known as c.2819C>A), located in coding exon 12 of the BMPR2 gene, results from a C to A substitution at nucleotide position 2819. The serine at codon 940 is replaced by tyrosine, an amino acid with dissimilar properties. This amino acid position is conserved. In addition, this alteration is predicted to be deleterious by in silico analysis. Since supporting evidence is limited at this time, the clinical significance of this alteration remains unclear.

NM_001204.7(BMPR2):c.2819C>A (p.Ser940Tyr)

Gene: BMPR2 (bone morphogenetic protein receptor type 2; plus strand). Cytogenetic location: 2q33.2.
Variant type: single nucleotide variant.
Coding change: c.2819C>A on transcript NM_001204.7 (MANE Select); coding-DNA position 2819, C replaced by A.
Protein change: p.Ser940Tyr; replaces serine 940 with tyrosine.
Molecular consequence: missense variant.
Genome position (GRCh38, 1-based): chr2:202,556,484, C>A. VCF-style: chr2-202556484-C-A. GRCh37 (hg19) VCF-style: chr2-203421207-C-A.
Other names: short protein forms S940Y.
Identifiers: ClinVar variation 1796402 (VCV001796402.2), dbSNP rs1559074475, ClinGen allele CA350349883.